The following is an entry in ClinVar:

NM_004360.5(CDH1):c.*9A>C

Gene: CDH1 (cadherin 1; plus strand). Cytogenetic location: 16q22.1.
Variant type: single nucleotide variant.
Coding change: c.*9A>C on transcript NM_004360.5 (MANE Select); 9 bases downstream of the stop codon, A replaced by C.
Molecular consequence: 3 prime UTR variant.
Genome position (GRCh38, 1-based): chr16:68,833,508, A>C. VCF-style: chr16-68833508-A-C. GRCh37 (hg19) VCF-style: chr16-68867411-A-C.
Other names: c.*9A>C (NM_001317184.2, NM_001317185.2, NM_001317186.2).
Identifiers: ClinVar variation 3378939 (VCV003378939.1).

ClinVar aggregate classification (germline): Benign (1 of 4 stars; one submission).

Conditions:
Hereditary diffuse gastric adenocarcinoma (HDGC). Also called: DIFFUSE GASTRIC AND LOBULAR BREAST CANCER SYNDROME. Identifiers: Orphanet 26106, MedGen C1708349, MONDO:0007648, OMIM 137215.

Submission:

Myriad Genetics, Inc.
Classification: Benign for Hereditary diffuse gastric adenocarcinoma. Last evaluated: 2024-09-25. Review status: criteria provided, single submitter. Criteria: Myriad Autosomal Dominant, Autosomal Recessive and X-Linked Classification Criteria (2023). Collection method: clinical testing. Allele origin: unknown.
Comment: This variant is considered benign. This variant occurs in the non-coding 3' untranslated region of the gene, and is not expected to impact protein function.